The following is an entry in ClinVar:

ClinVar aggregate classification (germline): Benign/Likely benign. Review status: criteria provided, multiple submitters, no conflicts (2 of 4 stars). 3 submissions from 3 submitters: Benign (1); Likely benign (2). Last evaluated 2024-09-24.

Conditions:
Hereditary cancer-predisposing syndrome. Also called: Neoplastic Syndromes, Hereditary; Tumor predisposition; Hereditary neoplastic syndrome; Hereditary Cancer Syndrome. Identifiers: Orphanet 140162, MedGen C0027672, MeSH D009386, MONDO:0015356.
Hereditary diffuse gastric adenocarcinoma (HDGC). Also called: DIFFUSE GASTRIC AND LOBULAR BREAST CANCER SYNDROME. Identifiers: Orphanet 26106, MedGen C1708349, MONDO:0007648, OMIM 137215.

Allele frequency attached by ClinVar (database versions not stated): gnomAD exomes below 0.00001; ESP Exome Variant Server 0.00008.

Submissions (3):

Myriad Genetics, Inc.
Classification: Benign for Hereditary diffuse gastric adenocarcinoma. Last evaluated: 2024-09-24. Review status: criteria provided, single submitter. Criteria: Myriad Autosomal Dominant, Autosomal Recessive and X-Linked Classification Criteria (2023). Collection method: clinical testing. Allele origin: unknown.
Comment: This variant is considered benign. This variant is a silent/synonymous amino acid change and it is not expected to impact splicing.

Ambry Genetics
Classification: Likely benign for Hereditary cancer-predisposing syndrome. Last evaluated: 2020-06-22. Review status: criteria provided, single submitter. Criteria: Ambry Variant Classification Scheme 2023. Collection method: clinical testing. Allele origin: germline.

Labcorp Genetics (formerly Invitae), Labcorp
Classification: Likely benign for Hereditary diffuse gastric adenocarcinoma. Last evaluated: 2016-03-13. Review status: criteria provided, single submitter. Criteria: Invitae Variant Classification Sherloc (09022015). Collection method: clinical testing. Allele origin: germline.

NM_004360.5(CDH1):c.2535G>A (p.Leu845=)

Gene: CDH1 (cadherin 1; plus strand). Cytogenetic location: 16q22.1.
Variant type: single nucleotide variant.
Coding change: c.2535G>A on transcript NM_004360.5 (MANE Select); coding-DNA position 2535, G replaced by A.
Protein change: p.Leu845=; no amino-acid change (leucine 845 retained).
Molecular consequence: synonymous variant.
Genome position (GRCh38, 1-based): chr16:68,833,385, G>A. VCF-style: chr16-68833385-G-A. GRCh37 (hg19) VCF-style: chr16-68867288-G-A.
Other names: c.2535G>A (LRG_301t1); c.2352G>A, p.Leu784= (NM_001317184.2); c.987G>A, p.Leu329= (NM_001317185.2); c.570G>A, p.Leu190= (NM_001317186.2).
Identifiers: ClinVar variation 239900 (VCV000239900.12), dbSNP rs144902472, ClinGen allele CA10583425.